The following is an entry in ClinVar:

ClinVar aggregate classification (germline): Uncertain significance (1 of 4 stars; one submission).

gnomAD v4.1: 3 of 1,614,152 alleles (0.00019%); highest among the groups gnomAD compares: Non-Finnish European, 0.00025%; no homozygotes.

Submission:

Labcorp Genetics (formerly Invitae), Labcorp
Classification: Uncertain significance. Last evaluated: 2021-06-07. Review status: criteria provided, single submitter. Criteria: Invitae Variant Classification Sherloc (09022015). Collection method: clinical testing. Allele origin: germline.
Comment: This sequence change replaces serine with asparagine at codon 1183 of the CUL7 protein (p.Ser1183Asn). The serine residue is moderately conserved and there is a small physicochemical difference between serine and asparagine. This variant is not present in population databases (ExAC no frequency). This variant has not been reported in the literature in individuals with CUL7-related conditions. Algorithms developed to predict the effect of missense changes on protein structure and function are either unavailable or do not agree on the potential impact of this missense change (SIFT: "Tolerated"; PolyPhen-2: "Probably Damaging"; Align-GVGD: "Class C0"). In summary, the available evidence is currently insufficient to determine the role of this variant in disease. Therefore, it has been classified as a Variant of Uncertain Significance.

NM_014780.5(CUL7):c.3548G>A (p.Ser1183Asn)

Gene: CUL7 (cullin 7; minus strand). Cytogenetic location: 6p21.1.
Variant type: single nucleotide variant.
Coding change: c.3548G>A on transcript NM_014780.5 (MANE Select); coding-DNA position 3548, G replaced by A.
Protein change: p.Ser1183Asn; replaces serine 1183 with asparagine.
Molecular consequence: missense variant.
Genome position (GRCh38, 1-based): chr6:43,042,899, C>T on the plus strand (G>A on the coding strand, the complement: CUL7 is on the minus strand). VCF-style: chr6-43042899-C-T. GRCh37 (hg19) VCF-style: chr6-43010637-C-T.
Other names: c.3644G>A, p.Ser1215Asn (NM_001168370.2, NM_001374872.1); c.3548G>A, p.Ser1183Asn (NM_001374873.1); c.3545G>A, p.Ser1182Asn (NM_001374874.1); short protein forms S1183N, S1215N, S1182N.
Identifiers: ClinVar variation 1474966 (VCV001474966.8), dbSNP rs138726142, ClinGen allele CA364202827.